The following is an entry in ClinVar:

NM_001363.5(DKC1):c.191T>G (p.Val64Gly)

Gene: DKC1 (dyskerin pseudouridine synthase 1; plus strand). Cytogenetic location: Xq28.
Variant type: single nucleotide variant.
Coding change: c.191T>G on transcript NM_001363.5 (MANE Select); coding-DNA position 191, T replaced by G.
Protein change: p.Val64Gly; replaces valine 64 with glycine.
Molecular consequence: missense variant. On other transcripts: non-coding transcript variant (3).
Genome position (GRCh38, 1-based): chrX:154,765,926, T>G. VCF-style: chrX-154765926-T-G. GRCh37 (hg19) VCF-style: chrX-153994201-T-G.
Other names: c.191T>G, p.Val64Gly (NM_001142463.3, NM_001288747.2); short protein forms V64G.
Identifiers: ClinVar variation 940410 (VCV000940410.11), dbSNP rs2071739379, ClinGen allele CA414889354.

ClinVar aggregate classification (germline): Conflicting classifications of pathogenicity. Review status: criteria provided, conflicting classifications (1 of 4 stars). 2 submissions from 2 submitters: Likely pathogenic (1); Uncertain significance (1). Last evaluated 2023-03-23.

Conditions:
Dyskeratosis congenita. Identifiers: Orphanet 1775, MedGen C0265965, MONDO:0015780.

Submissions (2):

Labcorp Genetics (formerly Invitae), Labcorp
Classification: Uncertain significance for Dyskeratosis congenita. Last evaluated: 2023-03-23. Review status: criteria provided, single submitter. Criteria: Invitae Variant Classification Sherloc (09022015). Collection method: clinical testing. Allele origin: germline.
Comment: ClinVar contains an entry for this variant (Variation ID: 940410). Advanced modeling of protein sequence and biophysical properties (such as structural, functional, and spatial information, amino acid conservation, physicochemical variation, residue mobility, and thermodynamic stability) has been performed at Invitae for this missense variant, however the output from this modeling did not meet the statistical confidence thresholds required to predict the impact of this variant on DKC1 protein function. In summary, the available evidence is currently insufficient to determine the role of this variant in disease. Therefore, it has been classified as a Variant of Uncertain Significance. This variant has not been reported in the literature in individuals affected with DKC1-related conditions. This sequence change replaces valine, which is neutral and non-polar, with glycine, which is neutral and non-polar, at codon 64 of the DKC1 protein (p.Val64Gly). This variant is not present in population databases (gnomAD no frequency).

Ambry Genetics
Classification: Likely pathogenic for Dyskeratosis congenita. Last evaluated: 2021-12-13. Review status: criteria provided, single submitter. Criteria: Ambry Variant Classification Scheme 2023. Collection method: clinical testing. Allele origin: germline.
Comment: The p.V64G variant (also known as c.191T>G), located in coding exon 4 of the DKC1 gene, results from a T to G substitution at nucleotide position 191. The valine at codon 64 is replaced by glycine, an amino acid with dissimilar properties. This variant was detected in two unrelated individuals with clinical features consistent with dyskeratosis congenita (Ambry internal data). This variant was not reported in population-based cohorts in the Genome Aggregation Database (gnomAD). In addition, this alteration is predicted to be deleterious by in silico analysis. Based on the majority of available evidence to date, this variant is likely to be pathogenic.